The following is an entry in ClinVar:

NM_152617.4(RNF168):c.892A>G (p.Met298Val)

Gene: RNF168 (ring finger protein 168; minus strand). Cytogenetic location: 3q29.
Variant type: single nucleotide variant.
Coding change: c.892A>G on transcript NM_152617.4 (MANE Select); coding-DNA position 892, A replaced by G.
Protein change: p.Met298Val; replaces methionine 298 with valine.
Molecular consequence: missense variant.
Genome position (GRCh38, 1-based): chr3:196,472,643, T>C on the plus strand (A>G on the coding strand, the complement: RNF168 is on the minus strand). VCF-style: chr3-196472643-T-C. GRCh37 (hg19) VCF-style: chr3-196199514-T-C.
Other names: short protein forms M298V.
Identifiers: ClinVar variation 1354606 (VCV001354606.5), dbSNP rs1042743339, ClinGen allele CA2780777.

ClinVar aggregate classification (germline): Uncertain significance (1 of 4 stars; one submission).

Allele frequency attached by ClinVar (database versions not stated): ExAC 0.00001; gnomAD 0.00001; gnomAD exomes 0.00001; TOPMed 0.00001.
gnomAD v4.1: 7 of 1,612,072 alleles (0.00043%); highest among the groups gnomAD compares: African/African-American, 0.0053%; no homozygotes.

Submission:

Labcorp Genetics (formerly Invitae), Labcorp
Classification: Uncertain significance. Last evaluated: 2022-06-20. Review status: criteria provided, single submitter. Criteria: Invitae Variant Classification Sherloc (09022015). Collection method: clinical testing. Allele origin: germline.
Comment: This sequence change replaces methionine, which is neutral and non-polar, with valine, which is neutral and non-polar, at codon 298 of the RNF168 protein (p.Met298Val). This variant is present in population databases (no rsID available, gnomAD 0.003%). This variant has not been reported in the literature in individuals affected with RNF168-related conditions. Algorithms developed to predict the effect of missense changes on protein structure and function output the following: SIFT: "Tolerated"; PolyPhen-2: "Benign"; Align-GVGD: "Class C0". The valine amino acid residue is found in multiple mammalian species, which suggests that this missense change does not adversely affect protein function. In summary, the available evidence is currently insufficient to determine the role of this variant in disease. Therefore, it has been classified as a Variant of Uncertain Significance.